The following is an entry in ClinVar:

ClinVar aggregate classification (germline): Uncertain significance (1 of 4 stars; one submission).

Submission:

Labcorp Genetics (formerly Invitae), Labcorp
Classification: Uncertain significance. Last evaluated: 2022-09-07. Review status: criteria provided, single submitter. Criteria: Invitae Variant Classification Sherloc (09022015). Collection method: clinical testing. Allele origin: germline.
Comment: This variant has not been reported in the literature in individuals affected with HOXB13-related conditions. This sequence change replaces threonine, which is neutral and polar, with serine, which is neutral and polar, at codon 136 of the HOXB13 protein (p.Thr136Ser). This variant is not present in population databases (gnomAD no frequency). Algorithms developed to predict the effect of missense changes on protein structure and function (SIFT, PolyPhen-2, Align-GVGD) all suggest that this variant is likely to be tolerated. In summary, the available evidence is currently insufficient to determine the role of this variant in disease. Therefore, it has been classified as a Variant of Uncertain Significance.

NM_006361.6(HOXB13):c.406A>T (p.Thr136Ser)

Gene: HOXB13 (homeobox B13; minus strand). Cytogenetic location: 17q21.32.
Variant type: single nucleotide variant.
Coding change: c.406A>T on transcript NM_006361.6 (MANE Select); coding-DNA position 406, A replaced by T.
Protein change: p.Thr136Ser; replaces threonine 136 with serine.
Molecular consequence: missense variant.
Genome position (GRCh38, 1-based): chr17:48,728,188, T>A on the plus strand (A>T on the coding strand, the complement: HOXB13 is on the minus strand). VCF-style: chr17-48728188-T-A. GRCh37 (hg19) VCF-style: chr17-46805550-T-A.
Other names: short protein forms T136S.
Identifiers: ClinVar variation 2088408 (VCV002088408.4), dbSNP rs745800027, ClinGen allele CA400107524.